The following is an entry in ClinVar:

NM_007374.3(SIX6):c.635C>T (p.Thr212Met)

Genes: C14orf39 (chromosome 14 open reading frame 39; minus strand), SIX6 (SIX homeobox 6; plus strand). Cytogenetic location: 14q23.1.
Variant type: single nucleotide variant.
Coding change: c.635C>T on transcript NM_007374.3 (MANE Select); coding-DNA position 635, C replaced by T.
Protein change: p.Thr212Met; replaces threonine 212 with methionine.
Molecular consequence: missense variant.
Genome position (GRCh38, 1-based): chr14:60,511,146, C>T. VCF-style: chr14-60511146-C-T. GRCh37 (hg19) VCF-style: chr14-60977864-C-T.
Other names: short protein forms T212M.
Identifiers: ClinVar variation 883964 (VCV000883964.7), dbSNP rs202029915, ClinGen allele CA7212649.
Genomic context (GRCh38, chr14:60,511,146, plus strand): 5'-TCCAGCAGCAGGTCCTGTCACAGGGTTCCGGGCGGGCACTACGGGCGGAGGGCGACGGCA[C>T]GCCAGAGGTGCTGGGCGTCGCCACCAGCCCGGCCGCCAGTCTATCCAGCAAGGCGGCCAC-3'
Protein context (NP_031400.2, residues 202-222): GRALRAEGDG[Thr212Met]PEVLGVATSP

ClinVar aggregate classification (germline): Uncertain significance. Review status: criteria provided, multiple submitters, no conflicts (2 of 4 stars). 3 submissions from 3 submitters: Uncertain significance (3). Last evaluated 2023-03-13.

Conditions:
Colobomatous optic disc-macular atrophy-chorioretinopathy syndrome (ODRMD). Also called: OPTIC DISC ANOMALIES WITH RETINAL AND/OR MACULAR DYSTROPHY. Identifiers: Orphanet 435930, MedGen C4225424, MONDO:0008927, OMIM 212550.
Anophthalmia/microphthalmia-esophageal atresia syndrome (MCOPS3). Also called: AEG SYNDROME; SOX2 Disorder; MICROPHTHALMIA AND ESOPHAGEAL ATRESIA SYNDROME. Identifiers: Orphanet 77298, MedGen C1859773, MONDO:0008799, OMIM 206900.
Anophthalmia-microphthalmia syndrome. Also called: Anophthalmia/Microphthalmia; Anophthalmia - microphthalmia. Identifiers: Orphanet 98555, MedGen C5680330, MONDO:0020147.

Allele frequency attached by ClinVar (database versions not stated): TOPMed 0.00014; ESP Exome Variant Server 0.00015; gnomAD 0.00018; 1000 Genomes Project 30x 0.00031; 1000 Genomes Project 0.00040.
gnomAD v4.1: 522 of 1,612,874 alleles (0.032%); highest among the groups gnomAD compares: Non-Finnish European, 0.041%; no homozygotes.

Submissions (3):

Department of Pathology and Laboratory Medicine, Sinai Health System
Classification: Uncertain significance for Anophthalmia/microphthalmia-esophageal atresia syndrome; Colobomatous optic disc-macular atrophy-chorioretinopathy syndrome. Last evaluated: 2023-03-13. Review status: criteria provided, single submitter. Criteria: ACMG Guidelines, 2015. Collection method: research. Allele origin: germline.

Labcorp Genetics (formerly Invitae), Labcorp
Classification: Uncertain significance. Last evaluated: 2022-08-22. Review status: criteria provided, single submitter. Criteria: Invitae Variant Classification Sherloc (09022015). Collection method: clinical testing. Allele origin: germline.
Comment: This sequence change replaces threonine, which is neutral and polar, with methionine, which is neutral and non-polar, at codon 212 of the SIX6 protein (p.Thr212Met). This variant is present in population databases (rs202029915, gnomAD 0.02%). This missense change has been observed in individual(s) with primary open-angle glaucoma (PMID: 24875647). ClinVar contains an entry for this variant (Variation ID: 883964). Algorithms developed to predict the effect of missense changes on protein structure and function output the following: SIFT: "Deleterious"; PolyPhen-2: "Benign"; Align-GVGD: "Class C0". The methionine amino acid residue is found in multiple mammalian species, which suggests that this missense change does not adversely affect protein function. Experimental studies have shown that this missense change affects SIX6 function (PMID: 24875647). In summary, the available evidence is currently insufficient to determine the role of this variant in disease. Therefore, it has been classified as a Variant of Uncertain Significance.

Illumina Laboratory Services, Illumina
Classification: Uncertain significance for Anophthalmia-microphthalmia syndrome. Last evaluated: 2017-10-13. Review status: criteria provided, single submitter. Criteria: ICSL Variant Classification Criteria 13 December 2019. Collection method: clinical testing. Allele origin: germline.
Comment: This variant was observed as part of a predisposition screen in an ostensibly healthy population. A literature search was performed for the gene, cDNA change, and amino acid change (where applicable). Publications were found based on this search. However, the evidence from the literature, in combination with allele frequency data from public databases where available, was not sufficient to rule this variant in or out of causing disease. Therefore, this variant is classified as a variant of unknown significance.

Literature cited by the submitters: PubMed 24875647 (cited by Labcorp Genetics (formerly Invitae), Labcorp and Illumina Laboratory Services, Illumina).